The following is an entry in ClinVar:

NM_002769.5(PRSS1):c.457G>T (p.Asp153Tyr)

Genes: PRSS1 (serine protease 1; plus strand), TRB (T cell receptor beta locus; plus strand). Cytogenetic location: 7q34.
Variant type: single nucleotide variant.
Coding change: c.457G>T on transcript NM_002769.5 (MANE Select); coding-DNA position 457, G replaced by T.
Protein change: p.Asp153Tyr; replaces aspartic acid 153 with tyrosine.
Molecular consequence: missense variant. On other transcripts: non-coding transcript variant (5).
Genome position (GRCh38, 1-based): chr7:142,752,433, G>T. VCF-style: chr7-142752433-G-T. GRCh37 (hg19) VCF-style: chr7-142460284-G-T.
Other names: short protein forms D153Y.
Identifiers: ClinVar variation 4853742 (VCV004853742.1).

ClinVar aggregate classification (germline): Uncertain significance (1 of 4 stars; one submission).

gnomAD v4.1: 2 of 1,614,018 alleles (0.00012%); highest among the groups gnomAD compares: Non-Finnish European, 0.00017%; no homozygotes.

Submission:

Women's Health and Genetics/Laboratory Corporation of America, LabCorp
Classification: Uncertain significance. Last evaluated: 2026-05-21. Review status: criteria provided, single submitter. Criteria: LabCorp Variant Classification Summary - May 2015. Collection method: clinical testing. Allele origin: germline.
Comment: Variant summary: PRSS1 c.457G>T (p.Asp153Tyr) results in a non-conservative amino acid change in the encoded protein sequence. Algorithms developed to predict the effect of missense changes on protein structure and function are either unavailable or do not agree on the potential impact of this missense change. Consensus agreement among computation tools predict no significant impact on normal splicing. However, these predictions have yet to be confirmed by functional studies. The variant was absent in 250330 control chromosomes. The available data on variant occurrences in the general population are insufficient to allow any conclusion about variant significance. To our knowledge, no occurrence of c.457G>T in individuals affected with PRSS1-related conditions and no experimental evidence demonstrating its impact on protein function have been reported. No submitters have cited clinical-significance assessments for this variant to ClinVar. Based on the evidence outlined above, the variant was classified as uncertain significance.